The following is an entry in ClinVar:

ClinVar aggregate classification (germline): Uncertain significance. Review status: criteria provided, single submitter (1 of 4 stars). 3 submissions from 2 submitters: Uncertain significance (2). 1 of the submissions does not count toward it. Last evaluated 2018-01-12.

Conditions:
NOD2-related disorder. Also called: NOD2-related condition.
Inflammatory bowel disease 1 (IBD1). Also called: Inflammatory bowel disease 1, Crohn disease; INFLAMMATORY BOWEL DISEASE (CROHN DISEASE) 1. Identifiers: MedGen CN260071, MONDO:0009960, OMIM 266600.
Blau syndrome (BLAUS). Also called: ARTHROCUTANEOUVEAL GRANULOMATOSIS; GRANULOMATOSIS, FAMILIAL JUVENILE SYSTEMIC; GRANULOMATOSIS, FAMILIAL, BLAU TYPE; GRANULOMATOUS INFLAMMATORY ARTHRITIS, DERMATITIS, AND UVEITIS, FAMILIAL; JABS SYNDROME. Identifiers: Orphanet 90340, MedGen C5201146, MONDO:0008523, OMIM 186580.

Allele frequency attached by ClinVar (database versions not stated): gnomAD exomes below 0.00001.
gnomAD v4.1: 2 of 1,614,228 alleles (0.00012%); highest among the groups gnomAD compares: Middle Eastern, 0.033%; no homozygotes.

Submissions (3):

Illumina Laboratory Services, Illumina
Classification: Uncertain significance for Blau syndrome. Last evaluated: 2018-01-12. Review status: criteria provided, single submitter. Criteria: ICSL Variant Classification Criteria 13 December 2019. Collection method: clinical testing. Allele origin: germline.

Illumina Laboratory Services, Illumina
Classification: Uncertain significance for Inflammatory bowel disease 1. Last evaluated: 2018-01-12. Review status: criteria provided, single submitter. Criteria: ICSL Variant Classification Criteria 13 December 2019. Collection method: clinical testing. Allele origin: germline.

PreventionGenetics, part of Exact Sciences
Classification: Uncertain significance for NOD2-related condition. Last evaluated: 2023-11-08. Review status: no assertion criteria provided. Collection method: clinical testing. Allele origin: germline. Not counted in ClinVar's aggregate classification.
Comment: The NOD2 c.1856C>T variant is predicted to result in the amino acid substitution p.Ala619Val. To our knowledge, this variant has not been reported in the literature or in a large population database, indicating this variant is rare. At this time, the clinical significance of this variant is uncertain due to the absence of conclusive functional and genetic evidence.

NM_001370466.1(NOD2):c.1775C>T (p.Ala592Val)

Gene: NOD2 (nucleotide binding oligomerization domain containing 2; plus strand). Cytogenetic location: 16q12.1.
Variant type: single nucleotide variant.
Coding change: c.1775C>T on transcript NM_001370466.1 (MANE Select); coding-DNA position 1775, C replaced by T.
Protein change: p.Ala592Val; replaces alanine 592 with valine.
Molecular consequence: missense variant. On other transcripts: non-coding transcript variant (1).
Genome position (GRCh38, 1-based): chr16:50,711,767, C>T. VCF-style: chr16-50711767-C-T. GRCh37 (hg19) VCF-style: chr16-50745678-C-T.
Other names: c.1856C>T (LRG_177t1, NM_022162.2); c.1775C>T, p.Ala592Val (NM_001293557.2); c.1856C>T, p.Ala619Val (NM_022162.3); short protein forms A619V, A592V.
Identifiers: ClinVar variation 319454 (VCV000319454.9), dbSNP rs867131858, ClinGen allele CA10647601.